The following is an entry in ClinVar:

ClinVar aggregate classification (germline): Uncertain significance (1 of 4 stars; one submission).

Conditions:
Neurofibromatosis, type 1 (NF1). Also called: VON RECKLINGHAUSEN DISEASE; NEUROFIBROMATOSIS, TYPE I, SOMATIC; Peripheral type neurofibromatosis; Neurofibromatosis, type I. Identifiers: Orphanet 636, MedGen C0027831, MONDO:0018975, OMIM 162200. Disease mechanism: loss of function.

Submission:

Labcorp Genetics (formerly Invitae), Labcorp
Classification: Uncertain significance for Neurofibromatosis, type 1. Last evaluated: 2021-07-24. Review status: criteria provided, single submitter. Criteria: Invitae Variant Classification Sherloc (09022015). Collection method: clinical testing. Allele origin: germline.
Comment: Algorithms developed to predict the effect of missense changes on protein structure and function are either unavailable or do not agree on the potential impact of this missense change (SIFT: "Deleterious"; PolyPhen-2: "Benign"; Align-GVGD: "Class C0"). This variant has not been reported in the literature in individuals affected with NF1-related conditions. This variant is not present in population databases (ExAC no frequency). This sequence change replaces isoleucine with asparagine at codon 396 of the NF1 protein (p.Ile396Asn). The isoleucine residue is moderately conserved and there is a large physicochemical difference between isoleucine and asparagine. In summary, the available evidence is currently insufficient to determine the role of this variant in disease. Therefore, it has been classified as a Variant of Uncertain Significance.

NM_001042492.3(NF1):c.1187T>A (p.Ile396Asn)

Gene: NF1 (neurofibromin 1; plus strand). Cytogenetic location: 17q11.2.
Variant type: single nucleotide variant.
Coding change: c.1187T>A on transcript NM_001042492.3 (MANE Select); coding-DNA position 1187, T replaced by A.
Protein change: p.Ile396Asn; replaces isoleucine 396 with asparagine.
Molecular consequence: missense variant.
Genome position (GRCh38, 1-based): chr17:31,201,412, T>A. VCF-style: chr17-31201412-T-A. GRCh37 (hg19) VCF-style: chr17-29528430-T-A.
Other names: c.1187T>A, p.Ile396Asn (NM_000267.4, NM_001128147.3); short protein forms I396N.
Identifiers: ClinVar variation 1507220 (VCV001507220.8), dbSNP rs2143885518, ClinGen allele CA398997410.